The following is an entry in ClinVar:

ClinVar aggregate classification (germline): Benign (1 of 4 stars; one submission).

Allele frequency attached by ClinVar (database versions not stated): 1000 Genomes Project 30x 0.49828; 1000 Genomes Project 0.50060; TOPMed 0.53398; gnomAD 0.53691; gnomAD exomes 0.56052.
gnomAD v4.1: 632,151 of 1,135,494 alleles (56%); highest among the groups gnomAD compares: South Asian, 59%; 177,851 homozygotes.

Submission:

Unidad de Genómica Garrahan, Hospital de Pediatría Garrahan
Classification: Benign. Last evaluated: 2024-01-24. Review status: criteria provided, single submitter. Criteria: ACMG Guidelines, 2015. Collection method: clinical testing. Allele origin: germline. Affected: no. Observed: 30 variant alleles.
Comment: This variant is classified as Benign based on local population frequency. This variant was detected in 32% of patients studied by a panel of primary immunodeficiencies. Number of patients: 30. Only high quality variants are reported.

NM_018518.5(MCM10):c.1415+114A>G

Gene: MCM10 (minichromosome maintenance 10 replication initiation factor; plus strand). Cytogenetic location: 10p13.
Variant type: single nucleotide variant.
Coding change: c.1415+114A>G on transcript NM_018518.5 (MANE Select); 114 bases into the intron after coding-DNA position 1415, A replaced by G.
Molecular consequence: intron variant.
Genome position (GRCh38, 1-based): chr10:13,189,194, A>G. VCF-style: chr10-13189194-A-G. GRCh37 (hg19) VCF-style: chr10-13231194-A-G.
Other names: c.1418+114A>G (NM_182751.3).
Identifiers: ClinVar variation 2688226 (VCV002688226.2), dbSNP rs2296221, ClinGen allele CA13303805.
Genomic context (GRCh38, chr10:13,189,194, plus strand): 5'-AACCTACTGGTTGTACCTTCCTGTAACCGTCATAGGATACTTGTACAGGTTTTATCTTTC[A>G]TAACTCACTACTTGAAACAAGTTGGTTAAAGACCGCTTTTATTCCCAGGTAGAGAGAAAA-3'